The following is an entry in ClinVar:

ClinVar aggregate classification (germline): Uncertain significance (1 of 4 stars; one submission).

gnomAD v4.1: 1 of 1,614,036 alleles (0.000062%); highest among the groups gnomAD compares: African/African-American, 0.0013%; no homozygotes.

Submission:

Labcorp Genetics (formerly Invitae), Labcorp
Classification: Uncertain significance. Last evaluated: 2025-12-13. Review status: criteria provided, single submitter. Criteria: Invitae Variant Classification Sherloc (09022015). Collection method: clinical testing. Allele origin: germline.
Comment: This sequence change falls in intron 12 of the COMP gene. It does not directly change the encoded amino acid sequence of the COMP protein. This variant is present in population databases (rs747972155, gnomAD 0.007%). This variant has not been reported in the literature in individuals affected with COMP-related conditions. Algorithms developed to predict the effect of sequence changes on RNA splicing suggest that this variant may disrupt the consensus splice site. In summary, the available evidence is currently insufficient to determine the role of this variant in disease. Therefore, it has been classified as a Variant of Uncertain Significance.

NM_000095.3(COMP):c.1307+18G>A

Gene: COMP (cartilage oligomeric matrix protein; minus strand). Cytogenetic location: 19p13.11.
Variant type: single nucleotide variant.
Coding change: c.1307+18G>A on transcript NM_000095.3 (MANE Select); 18 bases into the intron after coding-DNA position 1307, G replaced by A.
Molecular consequence: intron variant.
Genome position (GRCh38, 1-based): chr19:18,786,221, C>T on the plus strand (G>A on the coding strand, the complement: COMP is on the minus strand). VCF-style: chr19-18786221-C-T. GRCh37 (hg19) VCF-style: chr19-18897031-C-T.
Identifiers: ClinVar variation 4699154 (VCV004699154.1).